The following is an entry in ClinVar:

ClinVar aggregate classification (germline): Uncertain significance (1 of 4 stars; one submission).

Conditions:
Dystonia 12 (DYT12). Also called: DYT-ATP1A3; Rapid-Onset Dystonia-Parkinsonism (RDP). Identifiers: Orphanet 71517, MedGen C1868681, MONDO:0007496, OMIM 128235.

Submission:

Labcorp Genetics (formerly Invitae), Labcorp
Classification: Uncertain significance for Dystonia 12. Last evaluated: 2025-10-16. Review status: criteria provided, single submitter. Criteria: Invitae Variant Classification Sherloc (09022015). Collection method: clinical testing. Allele origin: germline.
Comment: This sequence change replaces glycine, which is neutral and non-polar, with cysteine, which is neutral and slightly polar, at codon 1005 of the ATP1A3 protein (p.Gly1005Cys). This variant also falls at the last nucleotide of exon 22, which is part of the consensus splice site for this exon. This variant is not present in population databases (gnomAD no frequency). This variant has not been reported in the literature in individuals affected with ATP1A3-related conditions. An algorithm developed to predict the effect of missense changes on protein structure and function (PolyPhen-2) suggests that this variant is likely to be tolerated. Variants that disrupt the consensus splice site are a relatively common cause of aberrant splicing (PMID: 17576681, 9536098). Algorithms developed to predict the effect of sequence changes on RNA splicing suggest that this variant may disrupt the consensus splice site. In summary, the available evidence is currently insufficient to determine the role of this variant in disease. Therefore, it has been classified as a Variant of Uncertain Significance.

Literature cited by the submitters: PubMed 17576681; PubMed 9536098.

NM_152296.5(ATP1A3):c.3013G>T (p.Gly1005Cys)

Gene: ATP1A3 (ATPase Na+/K+ transporting subunit alpha 3; minus strand). Cytogenetic location: 19q13.2.
Variant type: single nucleotide variant.
Coding change: c.3013G>T on transcript NM_152296.5 (MANE Select); coding-DNA position 3013, G replaced by T.
Protein change: p.Gly1005Cys; replaces glycine 1005 with cysteine.
Molecular consequence: missense variant.
Genome position (GRCh38, 1-based): chr19:41,967,249, C>A on the plus strand (G>T on the coding strand, the complement: ATP1A3 is on the minus strand). VCF-style: chr19-41967249-C-A. GRCh37 (hg19) VCF-style: chr19-42471401-C-A.
Other names: c.3046G>T, p.Gly1016Cys (NM_001256213.2); c.3052G>T, p.Gly1018Cys (NM_001256214.2); short protein forms G1016C, G1005C, G1018C.
Identifiers: ClinVar variation 4729332 (VCV004729332.1).